The following is an entry in ClinVar:

NM_000278.5(PAX2):c.1157C>A (p.Ala386Asp)

Gene: PAX2 (paired box 2; plus strand). Cytogenetic location: 10q24.31.
Variant type: single nucleotide variant.
Coding change: c.1157C>A on transcript NM_000278.5 (MANE Select); coding-DNA position 1157, C replaced by A.
Protein change: p.Ala386Asp; replaces alanine 386 with aspartic acid.
Molecular consequence: missense variant. On other transcripts: 3 prime UTR variant (1).
Genome position (GRCh38, 1-based): chr10:100,827,591, C>A. VCF-style: chr10-100827591-C-A. GRCh37 (hg19) VCF-style: chr10-102587348-C-A.
Other names: c.1250C>A, p.Ala417Asp (NM_001304569.2); c.1226C>A, p.Ala409Asp (NM_003987.5); c.*49C>A (NM_003988.5); c.1138C>A, p.Leu380Met (NM_003989.5); c.1207C>A, p.Leu403Met (NM_003990.5); short protein forms A386D, A409D, A417D, L380M, L403M.
Identifiers: ClinVar variation 3365096 (VCV003365096.1).

ClinVar aggregate classification (germline): Uncertain significance (1 of 4 stars; one submission).

Submission:

GeneDx
Classification: Uncertain significance. Last evaluated: 2023-12-05. Review status: criteria provided, single submitter. Criteria: GeneDx Variant Classification Process June 2021. Collection method: clinical testing. Allele origin: germline. Affected: yes.
Comment: In silico analysis supports that this missense variant does not alter protein structure/function; Has not been previously published as pathogenic or benign to our knowledge